The following is an entry in ClinVar:

ClinVar aggregate classification (germline): Uncertain significance (1 of 4 stars; one submission).

Submission:

Labcorp Genetics (formerly Invitae), Labcorp
Classification: Uncertain significance. Last evaluated: 2026-01-19. Review status: criteria provided, single submitter. Criteria: Invitae Variant Classification Sherloc (09022015). Collection method: clinical testing. Allele origin: germline.
Comment: This sequence change replaces serine, which is neutral and polar, with phenylalanine, which is neutral and non-polar, at codon 2180 of the CACNA1E protein (p.Ser2180Phe). This variant is not present in population databases (gnomAD no frequency). This variant has not been reported in the literature in individuals affected with CACNA1E-related conditions. ClinVar contains an entry for this variant (Variation ID: 1447004). Invitae Evidence Modeling of protein sequence and biophysical properties (such as structural, functional, and spatial information, amino acid conservation, physicochemical variation, residue mobility, and thermodynamic stability) indicates that this missense variant is not expected to disrupt CACNA1E protein function with a negative predictive value of 95%. In summary, the available evidence is currently insufficient to determine the role of this variant in disease. Therefore, it has been classified as a Variant of Uncertain Significance.

NM_001205293.3(CACNA1E):c.6668C>T (p.Ser2223Phe)

Gene: CACNA1E (calcium voltage-gated channel subunit alpha1 E; plus strand). Cytogenetic location: 1q25.3.
Variant type: single nucleotide variant.
Coding change: c.6668C>T on transcript NM_001205293.3 (MANE Select); coding-DNA position 6668, C replaced by T.
Protein change: p.Ser2223Phe; replaces serine 2223 with phenylalanine.
Molecular consequence: missense variant.
Genome position (GRCh38, 1-based): chr1:181,798,560, C>T. VCF-style: chr1-181798560-C-T. GRCh37 (hg19) VCF-style: chr1-181767696-C-T.
Other names: c.6539C>T, p.Ser2180Phe (NM_000721.4); c.6482C>T, p.Ser2161Phe (NM_001205294.2); short protein forms S2161F, S2180F, S2223F.
Identifiers: ClinVar variation 1447004 (VCV001447004.8), dbSNP rs2102911916, ClinGen allele CA343845266.